The following is an entry in ClinVar:

NM_001003694.2(BRPF1):c.1211A>G (p.Asn404Ser)

Gene: BRPF1 (bromodomain and PHD finger containing 1; plus strand). Cytogenetic location: 3p25.3.
Variant type: single nucleotide variant.
Coding change: c.1211A>G on transcript NM_001003694.2 (MANE Select); coding-DNA position 1211, A replaced by G.
Protein change: p.Asn404Ser; replaces asparagine 404 with serine.
Molecular consequence: missense variant. On other transcripts: non-coding transcript variant (1).
Genome position (GRCh38, 1-based): chr3:9,739,610, A>G. VCF-style: chr3-9739610-A-G. GRCh37 (hg19) VCF-style: chr3-9781294-A-G.
Other names: c.1211A>G, p.Asn404Ser (NM_001319049.2, NM_001319050.2, NM_001410704.1 and 7 more transcripts); short protein forms N404S.
Identifiers: ClinVar variation 4829000 (VCV004829000.1).

ClinVar aggregate classification (germline): Uncertain significance (1 of 4 stars; one submission).

Conditions:
Inborn genetic diseases. Identifiers: MedGen C0950123, MeSH D030342.

gnomAD v4.1: 18 of 1,609,258 alleles (0.0011%); highest among the groups gnomAD compares: Non-Finnish European, 0.000085%; no homozygotes.

Submission:

Ambry Genetics
Classification: Uncertain significance for Inborn genetic diseases. Last evaluated: 2026-02-17. Review status: criteria provided, single submitter. Criteria: Ambry Variant Classification Scheme 2023. Collection method: clinical testing. Allele origin: germline.
Comment: The c.1211A>G (p.N404S) alteration is located in exon 3 (coding exon 2) of the BRPF1 gene. This alteration results from a A to G substitution at nucleotide position 1211, causing the asparagine (N) at amino acid position 404 to be replaced by a serine (S). Based on data from gnomAD, the G allele has an overall frequency of 0.001% (2/250900) total alleles studied. The highest observed frequency was <0.001% (/) of alleles. Based on insufficient or conflicting evidence, the clinical significance of this alteration remains unclear.